The following is an entry in ClinVar:

NM_000065.5(C6):c.1786C>T (p.Arg596Ter)

Gene: C6 (complement C6; minus strand). Cytogenetic location: 5p13.1.
Variant type: single nucleotide variant.
Coding change: c.1786C>T on transcript NM_000065.5 (MANE Select); coding-DNA position 1786, C replaced by T.
Protein change: p.Arg596Ter; replaces arginine 596 with a stop codon.
Molecular consequence: nonsense.
Genome position (GRCh38, 1-based): chr5:41,159,152, G>A on the plus strand (C>T on the coding strand, the complement: C6 is on the minus strand). VCF-style: chr5-41159152-G-A. GRCh37 (hg19) VCF-style: chr5-41159254-G-A.
Other names: c.1786C>T, p.Arg596Ter (NM_001115131.4); short protein forms R596*.
Identifiers: ClinVar variation 208565 (VCV000208565.11), dbSNP rs142881576, ClinGen allele CA204546.

ClinVar aggregate classification (germline): Pathogenic/Likely pathogenic. Review status: criteria provided, multiple submitters, no conflicts (2 of 4 stars). 3 submissions from 3 submitters: Pathogenic (1); Likely pathogenic (2). Last evaluated 2025-11-23.

Conditions:
Complement component 6 deficiency (C6D). Also called: C6 DEFICIENCY. Identifiers: MedGen C2676232, MONDO:0012908, OMIM 612446.

Allele frequency attached by ClinVar (database versions not stated): gnomAD 0.00013 and 0.00012; ExAC 0.00014; gnomAD exomes 0.00014; ESP Exome Variant Server 0.00015; 1000 Genomes Project 30x 0.00016; 1000 Genomes Project 0.00020; TOPMed 0.00011.

Submissions (3):

Labcorp Genetics (formerly Invitae), Labcorp
Classification: Pathogenic. Last evaluated: 2025-11-23. Review status: criteria provided, single submitter. Criteria: Invitae Variant Classification Sherloc (09022015). Collection method: clinical testing. Allele origin: germline.
Comment: This sequence change creates a premature translational stop signal (p.Arg596*) in the C6 gene. It is expected to result in an absent or disrupted protein product. Loss-of-function variants in C6 are known to be pathogenic (PMID: 17257682). This variant is present in population databases (rs142881576, gnomAD 0.2%). This premature translational stop signal has been observed in individual(s) with complement deficiency (PMID: 31440263). ClinVar contains an entry for this variant (Variation ID: 208565). For these reasons, this variant has been classified as Pathogenic.

Fulgent Genetics
Classification: Likely pathogenic for Complement component 6 deficiency. Last evaluated: 2022-03-29. Review status: criteria provided, single submitter. Criteria: ACMG Guidelines, 2015. Collection method: clinical testing. Allele origin: unknown.

Laboratory for Molecular Medicine, Mass General Brigham Personalized Medicine
Classification: Likely pathogenic for Complement component 6 deficiency. Last evaluated: 2014-09-10. Review status: criteria provided, single submitter. Criteria: LMM Criteria. Collection method: clinical testing. Allele origin: germline. Inheritance: Autosomal recessive inheritance. Observed: 1 variant allele. Study: CSER-MedSeq.
Comment: The Arg596X variant in C6 has not been previously reported in individuals with disease and has been identified in 2/8600 European American chromosomes by the NHLBI Exome Sequencing Project (dbSNP rs142881576). This nonsense variant leads to a premature termination codon at position 596 which is predicted to lead to a truncated or absent protein. Loss of function variants in C6 leading to deficiency of C6 have been associated with increased susceptibility to neisserial infections, especially meningitis. In summary, although additional studies are required to fully establish its clinical significance, the Arg596X variant is likely pathogenic.

Literature cited by the submitters: PubMed 17257682 (cited by Labcorp Genetics (formerly Invitae), Labcorp); PubMed 31440263 (cited by Labcorp Genetics (formerly Invitae), Labcorp).